The following is an entry in ClinVar:

NM_020207.7(ERCC6L2):c.848G>A (p.Arg283Lys)

Gene: ERCC6L2 (ERCC excision repair 6 like 2; plus strand). Cytogenetic location: 9q22.32.
Variant type: single nucleotide variant.
Coding change: c.848G>A on transcript NM_020207.7 (MANE Select); coding-DNA position 848, G replaced by A.
Protein change: p.Arg283Lys; replaces arginine 283 with lysine.
Molecular consequence: missense variant. On other transcripts: non-coding transcript variant (1).
Genome position (GRCh38, 1-based): chr9:95,915,727, G>A. VCF-style: chr9-95915727-G-A. GRCh37 (hg19) VCF-style: chr9-98678009-G-A.
Other names: c.848G>A, p.Arg283Lys (NM_001010895.4, NM_001375291.1, NM_001375292.1 and 2 more transcripts); short protein forms R283K.
Identifiers: ClinVar variation 2054389 (VCV002054389.4), dbSNP rs2490115239, ClinGen allele CA374122220.

ClinVar aggregate classification (germline): Uncertain significance (1 of 4 stars; one submission).

Submission:

Labcorp Genetics (formerly Invitae), Labcorp
Classification: Uncertain significance. Last evaluated: 2021-12-23. Review status: criteria provided, single submitter. Criteria: Invitae Variant Classification Sherloc (09022015). Collection method: clinical testing. Allele origin: germline.
Comment: This sequence change replaces arginine, which is basic and polar, with lysine, which is basic and polar, at codon 294 of the ERCC6L2 protein (p.Arg294Lys). This variant is not present in population databases (gnomAD no frequency). This variant has not been reported in the literature in individuals affected with ERCC6L2-related conditions. Algorithms developed to predict the effect of missense changes on protein structure and function are either unavailable or do not agree on the potential impact of this missense change (SIFT: "Tolerated"; PolyPhen-2: "Not Available"; Align-GVGD: "Class C0"). In summary, the available evidence is currently insufficient to determine the role of this variant in disease. Therefore, it has been classified as a Variant of Uncertain Significance.